The following is an entry in ClinVar:

NM_001009944.3(PKD1):c.11578_11593del (p.Ala3860fs)

Genes: PKD1 (polycystin 1, transient receptor potential channel interacting; minus strand), PKD1-AS1 (PKD1 antisense RNA 1; plus strand). Cytogenetic location: 16p13.3.
Variant type: Deletion.
Coding change: c.11578_11593del on transcript NM_001009944.3 (MANE Select); coding-DNA positions 11578 to 11593, 16 bases deleted (GCCGTGGGGCTGCACG).
Protein change: p.Ala3860fs; shifts the reading frame from alanine 3860.
Molecular consequence: frameshift variant. On other transcripts: non-coding transcript variant (1).
Genome position (GRCh38, 1-based): chr16:2,091,542-2,091,557, CGTGCAGCCCCACGGC deleted on the plus strand (GCCGTGGGGCTGCACG on the coding strand, the reverse complement: PKD1 is on the minus strand); deleting any 16 consecutive bases within chr16:2,091,542-2,091,559 gives the same sequence; the c. name uses the placement nearest the transcript's 3' end. VCF-style (leftmost placement, unchanged base first): chr16-2091541-GCGTGCAGCCCCACGGC-G. GRCh37 (hg19) VCF-style: chr16-2141542-GCGTGCAGCCCCACGGC-G.
Other names: c.11575_11590del, p.Ala3859fs (NM_000296.4); c.11576_11591del16, p.Ala3860Profs (NM_001009944.2); short protein forms A3859fs, A3860fs.
Identifiers: ClinVar variation 3376938 (VCV003376938.1).

ClinVar aggregate classification (germline): Pathogenic (1 of 4 stars; one submission).

Conditions:
Polycystic kidney disease, adult type (PKD1). Also called: POLYCYSTIC KIDNEY DISEASE, ADULT, TYPE I; Polycystic Kidney Disease 1, Autosomal Dominant; Polycystic kidney disease 1; Polycystic kidney disease 1, severe; Polycystic Kidney, Autosomal Dominant; POLYCYSTIC KIDNEY DISEASE 1 WITH OR WITHOUT POLYCYSTIC LIVER DISEASE. Identifiers: MedGen C3149841, MONDO:0008263, OMIM 173900.

Submission:

Victorian Clinical Genetics Services, Murdoch Childrens Research Institute
Classification: Pathogenic for Polycystic kidney disease, adult type. Last evaluated: 2024-10-09. Review status: criteria provided, single submitter. Criteria: ACMG Guidelines, 2015. Collection method: clinical testing. Allele origin: germline. Inheritance: Autosomal dominant inheritance. Affected: yes.
Comment: Based on the classification scheme VCGS_Germline_v1.3.4, this variant is classified as Pathogenic. Following criteria are met: 0102 - Loss of function is a known mechanism of disease in this gene and is associated with polycystic kidney disease 1 (MIM#173900). (I) 0107 - This gene is associated with autosomal dominant disease. Polycystic kidney disease 1 (MIM#173900) is predominantly caused by monoallelic variants, with rare reports of biallelic variants causing disease (OMIM). (I) 0201 - Variant is predicted to cause nonsense-mediated decay (NMD) and loss of protein (premature termination codon is located at least 54 nucleotides upstream of the final exon-exon junction). (SP) 0251 - This variant is heterozygous. (I) 0301 - Variant is absent from gnomAD (v2, v3 and v4). (SP) 0701 - Other NMD-predicted variants comparable to the one identified in this case have very strong previous evidence for pathogenicity (DECIPHER). (SP) 0807 - This variant has no previous evidence of pathogenicity. (I) 0905 - No published segregation evidence has been identified for this variant. (I) 1007 - No published functional evidence has been identified for this variant. (I) 1208 - Inheritance information for this variant is not currently available in this individual. (I) Legend: (SP) - Supporting pathogenic, (I) - Information, (SB) - Supporting benign